The following is an entry in ClinVar:

ClinVar aggregate classification (germline): Likely benign. Review status: criteria provided, multiple submitters, no conflicts (2 of 4 stars). 3 submissions from 3 submitters: Likely benign (3). Last evaluated 2026-01-11.

Conditions:
Saldino-Mainzer syndrome (SRTD9). Also called: CONORENAL SYNDROME; SHORT-RIB THORACIC DYSPLASIA 9 WITHOUT POLYDACTYLY; Renal dysplasia, retinal pigmentary dystrophy, cerebellar ataxia and skeletal dysplasia; short-rib thoracic dysplasia 9 with or without polydactyly. Identifiers: Orphanet 140969, MedGen C1849437, MONDO:0009964, OMIM 266920.
IFT140-related disorder. Also called: IFT140-related condition.

Allele frequency attached by ClinVar (database versions not stated): TOPMed below 0.00001; gnomAD 0.00001.
gnomAD v4.1: 1 of 1,614,046 alleles (0.000062%); highest among the groups gnomAD compares: Admixed American, 0.0017%; no homozygotes.

Submissions (3):

Labcorp Genetics (formerly Invitae), Labcorp
Classification: Likely benign for Saldino-Mainzer syndrome. Last evaluated: 2026-01-11. Review status: criteria provided, single submitter. Criteria: Invitae Variant Classification Sherloc (09022015). Collection method: clinical testing. Allele origin: germline.

PreventionGenetics, part of Exact Sciences
Classification: Likely benign for IFT140-related condition. Last evaluated: 2024-12-13. Review status: criteria provided, single submitter. Criteria: ACMG Guidelines, 2015. Collection method: clinical testing. Allele origin: germline.
Comment: This variant is classified as likely benign based on ACMG/AMP sequence variant interpretation guidelines (Richards et al. 2015 PMID: 25741868, with internal and published modifications).

Blueprint Genetics
Classification: Likely benign. Last evaluated: 2020-04-15. Review status: criteria provided, single submitter. Criteria: ACMG Guidelines, 2015. Collection method: clinical testing. Allele origin: germline.

NM_014714.4(IFT140):c.4119C>T (p.Ile1373=)

Gene: IFT140 (intraflagellar transport 140; minus strand). Cytogenetic location: 16p13.3.
Variant type: single nucleotide variant.
Coding change: c.4119C>T on transcript NM_014714.4 (MANE Select); coding-DNA position 4119, C replaced by T.
Protein change: p.Ile1373=; no amino-acid change (isoleucine 1373 retained).
Molecular consequence: synonymous variant.
Genome position (GRCh38, 1-based): chr16:1,518,279, G>A on the plus strand (C>T on the coding strand, the complement: IFT140 is on the minus strand). VCF-style: chr16-1518279-G-A. GRCh37 (hg19) VCF-style: chr16-1568280-G-A.
Other names: c.4119C>T (NM_014714.3).
Identifiers: ClinVar variation 2784054 (VCV002784054.5), dbSNP rs2040422833, ClinGen allele CA492931599.